The following is an entry in ClinVar:

NM_001048174.2(MUTYH):c.1139C>T (p.Thr380Ile)

Gene: MUTYH (mutY DNA glycosylase; minus strand). Cytogenetic location: 1p34.1.
Variant type: single nucleotide variant.
Coding change: c.1139C>T on transcript NM_001048174.2 (MANE Select); coding-DNA position 1139, C replaced by T.
Protein change: p.Thr380Ile; replaces threonine 380 with isoleucine.
Molecular consequence: missense variant. On other transcripts: non-coding transcript variant (7).
Genome position (GRCh38, 1-based): chr1:45,331,520, G>A on the plus strand (C>T on the coding strand, the complement: MUTYH is on the minus strand). VCF-style: chr1-45331520-G-A. GRCh37 (hg19) VCF-style: chr1-45797192-G-A.
Other names: c.863C>T, p.Thr288Ile (NM_001293196.2, NM_001293192.2, NM_001407091.1); c.794C>T, p.Thr265Ile (NM_001350650.2, NM_001350651.2, NM_001407082.1); c.1172C>T, p.Thr391Ile (NM_001407069.1, NM_001407077.1, NM_001293191.2); c.1139C>T, p.Thr380Ile (NM_001407070.1, NM_001407072.1, NM_001407073.1 and 6 more transcripts); c.1142C>T, p.Thr381Ile (NM_001407071.1, NM_001048172.2, NM_001407078.1 and 1 more transcripts); c.1055C>T, p.Thr352Ile (NM_001407075.1); c.1223C>T, p.Thr408Ile (NM_001128425.2); c.1184C>T, p.Thr395Ile (NM_001293190.2); and 5 more; short protein forms T380I, T381I, T387I, T265I, T288I, T367I, T391I, T352I.
Identifiers: ClinVar variation 2760590 (VCV002760590.3), dbSNP rs2523965619, ClinGen allele CA340133056.

ClinVar aggregate classification (germline): Uncertain significance (1 of 4 stars; one submission).

Conditions:
Familial adenomatous polyposis 2. Also called: MUTYH-associated polyposis; Adenomas, multiple colorectal; COLORECTAL ADENOMATOUS POLYPOSIS, AUTOSOMAL RECESSIVE; ADENOMAS, MULTIPLE COLORECTAL, AUTOSOMAL RECESSIVE; MUTYH-related attenuated familial adenomatous polyposis; MYH-associated polyposis. Identifiers: Orphanet 220460, Orphanet 247798, MedGen C3272841, MONDO:0012041, OMIM 608456.

Allele frequency attached by ClinVar (database versions not stated): gnomAD exomes below 0.00001.
gnomAD v4.1: 1 of 1,614,118 alleles (0.000062%); highest among the groups gnomAD compares: Non-Finnish European, 0.000085%; no homozygotes.

Submission:

Labcorp Genetics (formerly Invitae), Labcorp
Classification: Uncertain significance for Familial adenomatous polyposis 2. Last evaluated: 2023-09-14. Review status: criteria provided, single submitter. Criteria: Invitae Variant Classification Sherloc (09022015). Collection method: clinical testing. Allele origin: germline.
Comment: In summary, the available evidence is currently insufficient to determine the role of this variant in disease. Therefore, it has been classified as a Variant of Uncertain Significance. An algorithm developed to predict the effect of missense changes on protein structure and function (PolyPhen-2) suggests that this variant is likely to be tolerated. This variant has not been reported in the literature in individuals affected with MUTYH-related conditions. This variant is not present in population databases (gnomAD no frequency). This sequence change replaces threonine, which is neutral and polar, with isoleucine, which is neutral and non-polar, at codon 408 of the MUTYH protein (p.Thr408Ile).